The following is an entry in ClinVar:

NM_001205293.3(CACNA1E):c.4348G>A (p.Ala1450Thr)

Gene: CACNA1E (calcium voltage-gated channel subunit alpha1 E; plus strand). Cytogenetic location: 1q25.3.
Variant type: single nucleotide variant.
Coding change: c.4348G>A on transcript NM_001205293.3 (MANE Select); coding-DNA position 4348, G replaced by A.
Protein change: p.Ala1450Thr; replaces alanine 1450 with threonine.
Molecular consequence: missense variant.
Genome position (GRCh38, 1-based): chr1:181,757,965, G>A. VCF-style: chr1-181757965-G-A. GRCh37 (hg19) VCF-style: chr1-181727101-G-A.
Other names: c.4348G>A, p.Ala1450Thr (NM_000721.4); c.4291G>A, p.Ala1431Thr (NM_001205294.2); short protein forms A1431T, A1450T.
Identifiers: ClinVar variation 2780758 (VCV002780758.3), dbSNP rs780840867, ClinGen allele CA1275825.

ClinVar aggregate classification (germline): Uncertain significance (1 of 4 stars; one submission).

Allele frequency attached by ClinVar (database versions not stated): ExAC 0.00001; gnomAD exomes 0.00001; TOPMed 0.00001.
gnomAD v4.1: 3 of 1,613,876 alleles (0.00019%); highest among the groups gnomAD compares: African/African-American, 0.0027%; no homozygotes.

Submission:

Labcorp Genetics (formerly Invitae), Labcorp
Classification: Uncertain significance. Last evaluated: 2023-11-08. Review status: criteria provided, single submitter. Criteria: Invitae Variant Classification Sherloc (09022015). Collection method: clinical testing. Allele origin: germline.
Comment: This sequence change replaces alanine, which is neutral and non-polar, with threonine, which is neutral and polar, at codon 1450 of the CACNA1E protein (p.Ala1450Thr). This variant is present in population databases (rs780840867, gnomAD 0.003%). This variant has not been reported in the literature in individuals affected with CACNA1E-related conditions. Advanced modeling of protein sequence and biophysical properties (such as structural, functional, and spatial information, amino acid conservation, physicochemical variation, residue mobility, and thermodynamic stability) has been performed at Invitae for this missense variant, however the output from this modeling did not meet the statistical confidence thresholds required to predict the impact of this variant on CACNA1E protein function. In summary, the available evidence is currently insufficient to determine the role of this variant in disease. Therefore, it has been classified as a Variant of Uncertain Significance.